The following is an entry in ClinVar:

NM_002206.3(ITGA7):c.353G>A (p.Ser118Asn)

Gene: ITGA7 (integrin subunit alpha 7; minus strand). Cytogenetic location: 12q13.2.
Variant type: single nucleotide variant.
Coding change: c.353G>A on transcript NM_002206.3 (MANE Select); coding-DNA position 353, G replaced by A.
Protein change: p.Ser118Asn; replaces serine 118 with asparagine.
Molecular consequence: missense variant. On other transcripts: 5 prime UTR variant (1), intron variant (1).
Genome position (GRCh38, 1-based): chr12:55,702,933, C>T on the plus strand (G>A on the coding strand, the complement: ITGA7 is on the minus strand). VCF-style: chr12-55702933-C-T. GRCh37 (hg19) VCF-style: chr12-56096717-C-T.
Other names: c.353G>A, p.Ser118Asn (NM_001144996.2, NM_001374465.1, NM_001410977.1 and 6 more transcripts); c.14G>A, p.Ser5Asn (NM_001367993.1, NM_001414035.1); c.-820G>A (NM_001367994.1); c.86-1517G>A (NM_001144997.2); short protein forms S118N, S5N.
Identifiers: ClinVar variation 1471285 (VCV001471285.6), dbSNP rs2136071414, ClinGen allele CA385193509.
Genomic context (GRCh38, chr12:55,702,933, plus strand): 5'-ACAATCTTGCCCCCAGGCCCCTGGCTCCGAACACTGACTCCCAACCACTGGTTCTCCTTG[C>T]TTTCCTTTTGCATATCAGCTAGAGGCAGGACACTGGGAATTAGGGGAGGGAAGAGGAGCC-3'
Protein context (NP_002197.2, residues 108-128): IDQGADMQKE[Ser118Asn]KENQWLGVSV

ClinVar aggregate classification (germline): Uncertain significance (1 of 4 stars; one submission).

Conditions:
Congenital muscular dystrophy due to integrin alpha-7 deficiency. Also called: MYOPATHY, CONGENITAL, DUE TO INTEGRIN ALPHA-7 DEFICIENCY; Congenital muscular dystrophy with integrin alpha-7 deficiency; Muscular dystrophy, congenital, due to ITGA7 deficiency. Identifiers: Orphanet 34520, MedGen C2750786, MONDO:0013177, OMIM 613204.

Submission:

Labcorp Genetics (formerly Invitae), Labcorp
Classification: Uncertain significance for Congenital muscular dystrophy due to integrin alpha-7 deficiency. Last evaluated: 2022-07-05. Review status: criteria provided, single submitter. Criteria: Invitae Variant Classification Sherloc (09022015). Collection method: clinical testing. Allele origin: germline.
Comment: ClinVar contains an entry for this variant (Variation ID: 1471285). In summary, the available evidence is currently insufficient to determine the role of this variant in disease. Therefore, it has been classified as a Variant of Uncertain Significance. Algorithms developed to predict the effect of missense changes on protein structure and function are either unavailable or do not agree on the potential impact of this missense change (SIFT: "Tolerated"; PolyPhen-2: "Possibly Damaging"; Align-GVGD: "Class C0"). This variant has not been reported in the literature in individuals affected with ITGA7-related conditions. This variant is not present in population databases (gnomAD no frequency). This sequence change replaces serine, which is neutral and polar, with asparagine, which is neutral and polar, at codon 118 of the ITGA7 protein (p.Ser118Asn).